The following is an entry in ClinVar:

NM_005263.5(GFI1):c.234C>G (p.Ser78Arg)

Gene: GFI1 (growth factor independent 1 transcriptional repressor; minus strand). Cytogenetic location: 1p22.1.
Variant type: single nucleotide variant.
Coding change: c.234C>G on transcript NM_005263.5 (MANE Select); coding-DNA position 234, C replaced by G.
Protein change: p.Ser78Arg; replaces serine 78 with arginine.
Molecular consequence: missense variant.
Genome position (GRCh38, 1-based): chr1:92,482,928, G>C on the plus strand (C>G on the coding strand, the complement: GFI1 is on the minus strand). VCF-style: chr1-92482928-G-C. GRCh37 (hg19) VCF-style: chr1-92948485-G-C.
Other names: c.234C>G, p.Ser78Arg (NM_001127215.3, NM_001127216.3); short protein forms S78R.
Identifiers: ClinVar variation 4741135 (VCV004741135.1).

ClinVar aggregate classification (germline): Uncertain significance (1 of 4 stars; one submission).

Conditions:
Neutropenia, severe congenital, 2, autosomal dominant. Identifiers: Orphanet 486, MedGen C2751288, MONDO:0013139, OMIM 613107.

Submission:

Labcorp Genetics (formerly Invitae), Labcorp
Classification: Uncertain significance for Neutropenia, severe congenital, 2, autosomal dominant. Last evaluated: 2025-10-14. Review status: criteria provided, single submitter. Criteria: Invitae Variant Classification Sherloc (09022015). Collection method: clinical testing. Allele origin: germline.
Comment: This sequence change replaces serine, which is neutral and polar, with arginine, which is basic and polar, at codon 78 of the GFI1 protein (p.Ser78Arg). This variant is not present in population databases (gnomAD no frequency). This variant has not been reported in the literature in individuals affected with GFI1-related conditions. Invitae Evidence Modeling of protein sequence and biophysical properties (such as structural, functional, and spatial information, amino acid conservation, physicochemical variation, residue mobility, and thermodynamic stability) indicates that this missense variant is not expected to disrupt GFI1 protein function with a negative predictive value of 80%. In summary, the available evidence is currently insufficient to determine the role of this variant in disease. Therefore, it has been classified as a Variant of Uncertain Significance.